The following is an entry in ClinVar:

ClinVar aggregate classification (germline): Uncertain significance (1 of 4 stars; one submission).

Submission:

Ambry Genetics
Classification: Uncertain significance. Last evaluated: 2024-01-14. Review status: criteria provided, single submitter. Criteria: Ambry Variant Classification Scheme 2023. Collection method: clinical testing. Allele origin: germline.
Comment: The p.S1363L variant (also known as c.4088C>T), located in coding exon 17 of the NPAT gene, results from a C to T substitution at nucleotide position 4088. The serine at codon 1363 is replaced by leucine, an amino acid with dissimilar properties. This amino acid position is conserved. In addition, this alteration is predicted to be tolerated by in silico analysis. Since supporting evidence is limited at this time, the clinical significance of this alteration remains unclear.

NM_002519.3(NPAT):c.4088C>T (p.Ser1363Leu)

Gene: NPAT (nuclear protein, coactivator of histone transcription; minus strand). Cytogenetic location: 11q22.3.
Variant type: single nucleotide variant.
Coding change: c.4088C>T on transcript NM_002519.3 (MANE Select); coding-DNA position 4088, C replaced by T.
Protein change: p.Ser1363Leu; replaces serine 1363 with leucine.
Molecular consequence: missense variant.
Genome position (GRCh38, 1-based): chr11:108,160,998, G>A on the plus strand (C>T on the coding strand, the complement: NPAT is on the minus strand). VCF-style: chr11-108160998-G-A. GRCh37 (hg19) VCF-style: chr11-108031725-G-A.
Other names: c.4109C>T, p.Ser1370Leu (NM_001321307.1); short protein forms S1363L, S1370L.
Identifiers: ClinVar variation 3222618 (VCV003222618.1), dbSNP rs2496693329, ClinGen allele CA382509395.